The following is an entry in ClinVar:

ClinVar aggregate classification (germline): Uncertain significance. Review status: criteria provided, multiple submitters, no conflicts (2 of 4 stars). 3 submissions from 3 submitters: Uncertain significance (3). Last evaluated 2022-10-27.

Conditions:
Inborn genetic diseases. Identifiers: MedGen C0950123, MeSH D030342.
Marinesco-Sjögren syndrome (MSS). Also called: Marinesco-Sjogren Syndrome; Marinesco-SjÃ¶gren syndrome. Identifiers: Orphanet 559, MedGen C0024814, MONDO:0009567, OMIM 248800.

Allele frequency attached by ClinVar (database versions not stated): 1000 Genomes Project 30x 0.00016; 1000 Genomes Project 0.00020.
gnomAD v4.1: 22 of 1,613,290 alleles (0.0014%); highest among the groups gnomAD compares: African/African-American, 0.008%; no homozygotes.

Submissions (3):

Ambry Genetics
Classification: Uncertain significance for Inborn genetic diseases. Last evaluated: 2022-10-27. Review status: criteria provided, single submitter. Criteria: Ambry Variant Classification Scheme 2023. Collection method: clinical testing. Allele origin: germline.

Labcorp Genetics (formerly Invitae), Labcorp
Classification: Uncertain significance for Marinesco-Sjögren syndrome. Last evaluated: 2022-07-03. Review status: criteria provided, single submitter. Criteria: Invitae Variant Classification Sherloc (09022015). Collection method: clinical testing. Allele origin: germline.
Comment: In summary, the available evidence is currently insufficient to determine the role of this variant in disease. Therefore, it has been classified as a Variant of Uncertain Significance. Algorithms developed to predict the effect of missense changes on protein structure and function are either unavailable or do not agree on the potential impact of this missense change (SIFT: "Tolerated"; PolyPhen-2: "Probably Damaging"; Align-GVGD: "Class C0"). This variant has not been reported in the literature in individuals affected with SIL1-related conditions. This variant is present in population databases (rs377150029, gnomAD 0.008%). This sequence change replaces alanine, which is neutral and non-polar, with proline, which is neutral and non-polar, at codon 346 of the SIL1 protein (p.Ala346Pro).

Revvity Omics, Revvity
Classification: Uncertain significance for Marinesco-Sjögren syndrome. Last evaluated: 2020-12-18. Review status: criteria provided, single submitter. Criteria: ACMG Guidelines, 2015. Collection method: clinical testing. Allele origin: germline.

NM_022464.5(SIL1):c.1036G>C (p.Ala346Pro)

Gene: SIL1 (SIL1 nucleotide exchange factor; minus strand). Cytogenetic location: 5q31.2.
Variant type: single nucleotide variant.
Coding change: c.1036G>C on transcript NM_022464.5 (MANE Select); coding-DNA position 1036, G replaced by C.
Protein change: p.Ala346Pro; replaces alanine 346 with proline.
Molecular consequence: missense variant.
Genome position (GRCh38, 1-based): chr5:138,947,467, C>G on the plus strand (G>C on the coding strand, the complement: SIL1 is on the minus strand). VCF-style: chr5-138947467-C-G. GRCh37 (hg19) VCF-style: chr5-138283156-C-G.
Other names: c.1036G>C, p.Ala346Pro (NM_001037633.2); short protein forms A346P.
Identifiers: ClinVar variation 1962242 (VCV001962242.8), dbSNP rs377150029, ClinGen allele CA3432378.